The following is an entry in ClinVar:

NC_000020.10:g.(?_8661338)_(8678351_?)del

Gene: PLCB1 (phospholipase C beta 1; plus strand). Cytogenetic location: 20p12.3.
Variant type: Deletion.
Identifiers: ClinVar variation 3248296 (VCV003248296.1).

ClinVar aggregate classification (germline): Likely pathogenic (1 of 4 stars; one submission).

Conditions:
Developmental and epileptic encephalopathy, 12 (DEE12). Identifiers: MedGen C3150988, MONDO:0013389, OMIM 613722.

Submission:

Labcorp Genetics (formerly Invitae), Labcorp
Classification: Likely pathogenic for Developmental and epileptic encephalopathy, 12. Last evaluated: 2023-12-04. Review status: criteria provided, single submitter. Criteria: Invitae Variant Classification Sherloc (09022015). Collection method: clinical testing. Allele origin: unknown.
Comment: This variant results in the deletion of exon 10 and part of exon 11 (c.863-4241_1088delinsT) of the PLCB1 gene. It is expected to disrupt RNA splicing. Variants that disrupt the donor or acceptor splice site typically lead to a loss of protein function (PMID: 16199547), and loss-of-function variants in PLCB1 are known to be pathogenic (PMID: 24684524). This variant has not been reported in the literature in individuals affected with PLCB1-related conditions. In summary, the currently available evidence indicates that the variant is pathogenic, but additional data are needed to prove that conclusively. Therefore, this variant has been classified as Likely Pathogenic.

Literature cited by the submitters: PubMed 16199547; PubMed 24684524.